The following is an entry in ClinVar:

NM_000059.4(BRCA2):c.6815G>A (p.Arg2272Lys)

Gene: BRCA2 (BRCA2 DNA repair associated; plus strand). Cytogenetic location: 13q13.1.
Variant type: single nucleotide variant.
Coding change: c.6815G>A on transcript NM_000059.4 (MANE Select); coding-DNA position 6815, G replaced by A.
Protein change: p.Arg2272Lys; replaces arginine 2272 with lysine.
Molecular consequence: missense variant.
Genome position (GRCh38, 1-based): chr13:32,341,170, G>A. VCF-style: chr13-32341170-G-A. GRCh37 (hg19) VCF-style: chr13-32915307-G-A.
Other names: short protein forms R2272K.
Identifiers: ClinVar variation 569078 (VCV000569078.19), dbSNP rs199522406, ClinGen allele CA6940987.

ClinVar aggregate classification (germline): Conflicting classifications of pathogenicity. Review status: criteria provided, conflicting classifications (1 of 4 stars). 5 submissions from 5 submitters: Uncertain significance (4); Likely benign (1). Last evaluated 2025-06-16.

Conditions:
Hereditary cancer-predisposing syndrome. Also called: Neoplastic Syndromes, Hereditary; Tumor predisposition; Hereditary neoplastic syndrome; Hereditary Cancer Syndrome. Identifiers: Orphanet 140162, MedGen C0027672, MeSH D009386, MONDO:0015356.
Hereditary breast ovarian cancer syndrome. Also called: Hereditary breast and ovarian cancer syndrome (HBOC); Hereditary breast and ovarian cancer; Hereditary breast and/or ovarian cancer syndrome; Hereditary breast and ovarian cancer syndrome; Breast and ovarian cancer; BRCA1- and BRCA2-Associated Hereditary Breast and Ovarian Cancer. Identifiers: Orphanet 145, MedGen C0677776, MeSH D061325, MONDO:0003582. Disease mechanism: loss of function.

Allele frequency attached by ClinVar (database versions not stated): gnomAD exomes below 0.00001; ExAC 0.00001; gnomAD 0.00001 and 0.00003; TOPMed 0.00001; 1000 Genomes Project 30x 0.00016; 1000 Genomes Project 0.00020.

Submissions (5):

Labcorp Genetics (formerly Invitae), Labcorp
Classification: Uncertain significance for Hereditary breast ovarian cancer syndrome. Last evaluated: 2025-06-16. Review status: criteria provided, single submitter. Criteria: Invitae Variant Classification Sherloc (09022015). Collection method: clinical testing. Allele origin: germline.
Comment: This sequence change replaces arginine, which is basic and polar, with lysine, which is basic and polar, at codon 2272 of the BRCA2 protein (p.Arg2272Lys). This variant is present in population databases (rs199522406, gnomAD 0.007%). This variant has not been reported in the literature in individuals affected with BRCA2-related conditions. ClinVar contains an entry for this variant (Variation ID: 569078). Invitae Evidence Modeling of protein sequence and biophysical properties (such as structural, functional, and spatial information, amino acid conservation, physicochemical variation, residue mobility, and thermodynamic stability) indicates that this missense variant is not expected to disrupt BRCA2 protein function with a negative predictive value of 95%. In summary, the available evidence is currently insufficient to determine the role of this variant in disease. Therefore, it has been classified as a Variant of Uncertain Significance.

Ambry Genetics
Classification: Uncertain significance for Hereditary cancer-predisposing syndrome. Last evaluated: 2025-02-03. Review status: criteria provided, single submitter. Criteria: Ambry Variant Classification Scheme 2023. Collection method: clinical testing. Allele origin: germline.
Comment: The p.R2272K variant (also known as c.6815G>A), located in coding exon 10 of the BRCA2 gene, results from a G to A substitution at nucleotide position 6815. The arginine at codon 2272 is replaced by lysine, an amino acid with highly similar properties. This amino acid position is highly conserved in available vertebrate species. In addition, the in silico prediction for this alteration is inconclusive. Since supporting evidence is limited at this time, the clinical significance of this alteration remains unclear.

University of Washington Department of Laboratory Medicine, University of Washington
Classification: Likely benign for Hereditary cancer-predisposing syndrome. Last evaluated: 2023-03-23. Review status: criteria provided, single submitter. Criteria: Dines et al. (Genet Med. 2020). Collection method: curation. Allele origin: germline.
Comment: Missense variant in a coldspot region where missense variants are very unlikely to be pathogenic (PMID:31911673).

BRCA2 exon 11 coldspot. Reclassification based on statistical prior probability.

Women's Health and Genetics/Laboratory Corporation of America, LabCorp
Classification: Uncertain significance. Last evaluated: 2022-12-01. Review status: criteria provided, single submitter. Criteria: LabCorp Variant Classification Summary - May 2015. Collection method: clinical testing. Allele origin: germline.
Comment: Variant summary: BRCA2 c.6815G>A (p.Arg2272Lys) results in a conservative amino acid change in the encoded protein sequence. Four of four in-silico tools predict a benign effect of the variant on protein function. The variant allele was found at a frequency of 4e-06 in 250316 control chromosomes. The available data on variant occurrences in the general population are insufficient to allow any conclusion about variant significance. c.6815G>A has been reported in the literature in individuals affected with Hereditary Breast And Ovarian Cancer Syndrome, without strong evidence for causality (Azribi_2021). This report does not provide unequivocal conclusions about association of the variant with Hereditary Breast And Ovarian Cancer Syndrome. To our knowledge, no experimental evidence demonstrating an impact on protein function has been reported. Three clinical diagnostic laboratories have submitted clinical-significance assessments for this variant to ClinVar after 2014 without evidence for independent evaluation. All laboratories classified the variant as uncertain significance. Based on the evidence outlined above, the variant was classified as uncertain significance.

Quest Diagnostics Nichols Institute San Juan Capistrano
Classification: Uncertain significance. Last evaluated: 2017-12-15. Review status: criteria provided, single submitter. Criteria: Quest Diagnostics criteria. Collection method: clinical testing. Allele origin: germline.

Literature cited by the submitters: PubMed 34930165 (cited by Women's Health and Genetics/Laboratory Corporation of America, LabCorp).